The following is an entry in ClinVar:

NM_000520.6(HEXA):c.548T>A (p.Leu183His)

Gene: HEXA (hexosaminidase subunit alpha; minus strand). Cytogenetic location: 15q23.
Variant type: single nucleotide variant.
Coding change: c.548T>A on transcript NM_000520.6 (MANE Select); coding-DNA position 548, T replaced by A.
Protein change: p.Leu183His; replaces leucine 183 with histidine.
Molecular consequence: missense variant. On other transcripts: non-coding transcript variant (1).
Genome position (GRCh38, 1-based): chr15:72,353,090, A>T on the plus strand (T>A on the coding strand, the complement: HEXA is on the minus strand). VCF-style: chr15-72353090-A-T. GRCh37 (hg19) VCF-style: chr15-72645431-A-T.
Other names: c.581T>A, p.Leu194His (NM_001318825.2); c.548T>A (NM_000520.5); short protein forms L183H, L194H.
Identifiers: ClinVar variation 496012 (VCV000496012.16), dbSNP rs185797496, ClinGen allele CA7644970.

ClinVar aggregate classification (germline): Conflicting classifications of pathogenicity. Review status: criteria provided, conflicting classifications (1 of 4 stars). 7 submissions from 7 submitters: Uncertain significance (1); Likely benign (4). 2 of the submissions do not count toward it. Last evaluated 2026-01-26.

Conditions:
Tay-Sachs disease (TSD). Also called: HEXA Disorders; GM2 gangliosidosis, type 1; Hexosaminidase alpha-subunit deficiency (variant B); Sphingolipidosis, Tay-Sachs; Hexosaminidase A Deficiency; HEXA DEFICIENCY. Identifiers: Orphanet 845, MedGen C0039373, MONDO:0010100, OMIM 272800.

Allele frequency attached by ClinVar (database versions not stated): gnomAD 0.00011 and 0.00014; gnomAD exomes 0.00011 and 0.00040; TOPMed 0.00032; ExAC 0.00040; 1000 Genomes Project 30x 0.00078; 1000 Genomes Project 0.00080.
gnomAD v4.1: 184 of 1,611,742 alleles (0.011%); highest among the groups gnomAD compares: East Asian, 0.34%; no homozygotes.

Submissions (7):

Labcorp Genetics (formerly Invitae), Labcorp
Classification: Likely benign for Tay-Sachs disease. Last evaluated: 2026-01-26. Review status: criteria provided, single submitter. Criteria: Invitae Variant Classification Sherloc (09022015). Collection method: clinical testing. Allele origin: germline.

ARUP Laboratories, Molecular Genetics and Genomics, ARUP Laboratories
Classification: Likely benign. Last evaluated: 2025-04-01. Review status: criteria provided, single submitter. Criteria: ARUP Molecular Germline Variant Investigation Process 2024. Collection method: clinical testing. Allele origin: germline.

GeneDx
Classification: Uncertain significance. Last evaluated: 2025-03-05. Review status: criteria provided, single submitter. Criteria: GeneDx Variant Classification Process June 2021. Collection method: clinical testing. Allele origin: germline. Affected: yes.
Comment: In silico analysis supports that this missense variant has a deleterious effect on protein structure/function; Has not been previously published as pathogenic or benign to our knowledge

Women's Health and Genetics/Laboratory Corporation of America, LabCorp
Classification: Likely benign. Last evaluated: 2022-09-16. Review status: criteria provided, single submitter. Criteria: LabCorp Variant Classification Summary - May 2015. Collection method: clinical testing. Allele origin: germline.
Comment: Variant summary: HEXA c.548T>A (p.Leu183His) results in a non-conservative amino acid change located in the Glycoside hydrolase family 20, catalytic domain (IPR015883) of the encoded protein sequence. Five of five in-silico tools predict a damaging effect of the variant on protein function. The variant allele was found at a frequency of 0.0004 in 251174 control chromosomes, predominantly at a frequency of 0.0053 within the East Asian subpopulation in the gnomAD database. The observed variant frequency within East Asian control individuals in the gnomAD database is approximately 4 fold of the estimated maximal predicted allele frequency for a pathogenic variant in HEXA causing Tay-Sachs Disease phenotype (0.0014), strongly suggesting that the variant is a benign polymorphism found primarily in populations of East Asian origin. To our knowledge, no occurrence of c.548T>A in individuals affected with Tay-Sachs Disease and no experimental evidence demonstrating its impact on protein function have been reported. Four clinical diagnostic laboratories have submitted clinical-significance assessments for this variant to ClinVar after 2014 and classified the variant as likely benign (n=3) and VUS (n=1). Based on the evidence outlined above, the variant was classified as likely benign.

Breakthrough Genomics
Classification: Likely benign. Review status: criteria provided, single submitter. Criteria: ACMG Guidelines, 2015. Collection method: not provided. Allele origin: germline. Inheritance: Autosomal recessive inheritance. Affected: yes.

Counsyl
Classification: Likely benign for Tay-Sachs disease. Last evaluated: 2017-11-17. Review status: no assertion criteria provided. Collection method: clinical testing. Allele origin: unknown. Not counted in ClinVar's aggregate classification.

Natera, Inc.
Classification: Uncertain significance for Tay-Sachs disease. Last evaluated: 2017-08-10. Review status: no assertion criteria provided. Collection method: clinical testing. Allele origin: germline. Not counted in ClinVar's aggregate classification.